The following is an entry in ClinVar:

ClinVar aggregate classification (germline): Uncertain significance (1 of 4 stars; one submission).

Conditions:
Hypokalemic periodic paralysis, type 1. Also called: HypoPP; Hypokalemic Periodic Paralysis Type 1 (AD). Identifiers: Orphanet 681, MedGen C3714580, MONDO:0042979, OMIM 170400.
Malignant hyperthermia, susceptibility to, 5 (MHS5). Also called: CACNA1S-Related Malignant Hyperthermia Susceptibility. Identifiers: Orphanet 423, MedGen C1866077, MONDO:0011163, OMIM 601887.

Submission:

Labcorp Genetics (formerly Invitae), Labcorp
Classification: Uncertain significance for Hypokalemic periodic paralysis, type 1; Malignant hyperthermia, susceptibility to, 5. Last evaluated: 2022-10-07. Review status: criteria provided, single submitter. Criteria: Invitae Variant Classification Sherloc (09022015). Collection method: clinical testing. Allele origin: germline.
Comment: This sequence change replaces asparagine, which is neutral and polar, with serine, which is neutral and polar, at codon 1616 of the CACNA1S protein (p.Asn1616Ser). This variant is not present in population databases (gnomAD no frequency). This variant has not been reported in the literature in individuals affected with CACNA1S-related conditions. Advanced modeling of protein sequence and biophysical properties (such as structural, functional, and spatial information, amino acid conservation, physicochemical variation, residue mobility, and thermodynamic stability) performed at Invitae indicates that this missense variant is not expected to disrupt CACNA1S protein function. In summary, the available evidence is currently insufficient to determine the role of this variant in disease. Therefore, it has been classified as a Variant of Uncertain Significance.

NM_000069.3(CACNA1S):c.4847A>G (p.Asn1616Ser)

Gene: CACNA1S (calcium voltage-gated channel subunit alpha1 S; minus strand). Cytogenetic location: 1q32.1.
Variant type: single nucleotide variant.
Coding change: c.4847A>G on transcript NM_000069.3 (MANE Select); coding-DNA position 4847, A replaced by G.
Protein change: p.Asn1616Ser; replaces asparagine 1616 with serine.
Molecular consequence: missense variant.
Genome position (GRCh38, 1-based): chr1:201,043,482, T>C on the plus strand (A>G on the coding strand, the complement: CACNA1S is on the minus strand). VCF-style: chr1-201043482-T-C. GRCh37 (hg19) VCF-style: chr1-201012610-T-C.
Other names: short protein forms N1616S.
Identifiers: ClinVar variation 2140670 (VCV002140670.4), dbSNP rs2464411609, ClinGen allele CA344137460.
Genomic context (GRCh38, chr1:201,043,482, plus strand): 5'-TCCATCTCTATCTCAGCAAACTGGAGGGGTCTCTGATTGGCCATGACGGGGGGCAGGGAG[T>C]TGGTCCTTTCCAGGAAGTTGTCCACCTGGCCAAACAGGCCTCCAGTCCTCTAGGGGCAAG-3'
Protein context (NP_000060.2, residues 1606-1626): GQVDNFLERT[Asn1616Ser]SLPPVMANQR